The following is an entry in ClinVar:

ClinVar aggregate classification (germline): Uncertain significance. Review status: criteria provided, multiple submitters, no conflicts (2 of 4 stars). 4 submissions from 4 submitters: Uncertain significance (4). Last evaluated 2025-07-15.

Conditions:
Neonatal-onset encephalopathy with rigidity and seizures. Also called: Lethal neonatal spasticity-epileptic encephalopathy syndrome. Identifiers: Orphanet 435845, MedGen C3281029, MONDO:0013784, OMIM 614498.
Inborn genetic diseases. Identifiers: MedGen C0950123, MeSH D030342.

Allele frequency attached by ClinVar (database versions not stated): ExAC 0.00012; gnomAD exomes 0.00012 and 0.00030; 1000 Genomes Project 30x 0.00016; gnomAD 0.00029 and 0.00030; 1000 Genomes Project 0.00040; TOPMed 0.00043.
gnomAD v4.1: 474 of 1,600,020 alleles (0.03%); highest among the groups gnomAD compares: Admixed American, 0.074%; no homozygotes.

Submissions (4):

GeneDx
Classification: Uncertain significance. Last evaluated: 2025-07-15. Review status: criteria provided, single submitter. Criteria: GeneDx Variant Classification Process June 2021. Collection method: clinical testing. Allele origin: germline. Affected: yes.
Comment: In silico analysis suggests that this missense variant does not alter protein structure/function; Has not been previously published as pathogenic or benign to our knowledge

Ambry Genetics
Classification: Uncertain significance for Inborn genetic diseases. Last evaluated: 2025-05-29. Review status: criteria provided, single submitter. Criteria: Ambry Variant Classification Scheme 2023. Collection method: clinical testing. Allele origin: germline.

Labcorp Genetics (formerly Invitae), Labcorp
Classification: Uncertain significance for Neonatal-onset encephalopathy with rigidity and seizures. Last evaluated: 2022-10-25. Review status: criteria provided, single submitter. Criteria: Invitae Variant Classification Sherloc (09022015). Collection method: clinical testing. Allele origin: germline.
Comment: This sequence change replaces alanine, which is neutral and non-polar, with threonine, which is neutral and polar, at codon 658 of the BRAT1 protein (p.Ala658Thr). This variant is present in population databases (rs186448943, gnomAD 0.03%). This variant has not been reported in the literature in individuals affected with BRAT1-related conditions. ClinVar contains an entry for this variant (Variation ID: 582357). Advanced modeling of protein sequence and biophysical properties (such as structural, functional, and spatial information, amino acid conservation, physicochemical variation, residue mobility, and thermodynamic stability) performed at Invitae indicates that this missense variant is expected to disrupt BRAT1 protein function. In summary, the available evidence is currently insufficient to determine the role of this variant in disease. Therefore, it has been classified as a Variant of Uncertain Significance.

Blueprint Genetics
Classification: Uncertain significance. Last evaluated: 2022-08-19. Review status: criteria provided, single submitter. Criteria: ACMG Guidelines, 2015. Collection method: clinical testing. Allele origin: germline.

NM_152743.4(BRAT1):c.1972G>A (p.Ala658Thr)

Gene: BRAT1 (BRCA1 associated ATM activator 1; minus strand). Cytogenetic location: 7p22.3.
Variant type: single nucleotide variant.
Coding change: c.1972G>A on transcript NM_152743.4 (MANE Select); coding-DNA position 1972, G replaced by A.
Protein change: p.Ala658Thr; replaces alanine 658 with threonine.
Molecular consequence: missense variant. On other transcripts: non-coding transcript variant (1).
Genome position (GRCh38, 1-based): chr7:2,538,563, C>T on the plus strand (G>A on the coding strand, the complement: BRAT1 is on the minus strand). VCF-style: chr7-2538563-C-T. GRCh37 (hg19) VCF-style: chr7-2578197-C-T.
Other names: c.2152G>A, p.Ala718Thr (NM_001350626.2); c.1447G>A, p.Ala483Thr (NM_001350627.2); short protein forms A658T, A483T, A718T.
Identifiers: ClinVar variation 582357 (VCV000582357.16), dbSNP rs186448943, ClinGen allele CA4127494.